The following is an entry in ClinVar:

NM_000429.3(MAT1A):c.875G>A (p.Arg292His)

Gene: MAT1A (methionine adenosyltransferase 1A; minus strand). Cytogenetic location: 10q22.3.
Variant type: single nucleotide variant.
Coding change: c.875G>A on transcript NM_000429.3 (MANE Select); coding-DNA position 875, G replaced by A.
Protein change: p.Arg292His; replaces arginine 292 with histidine.
Molecular consequence: missense variant.
Genome position (GRCh38, 1-based): chr10:80,275,093, C>T on the plus strand (G>A on the coding strand, the complement: MAT1A is on the minus strand). VCF-style: chr10-80275093-C-T. GRCh37 (hg19) VCF-style: chr10-82034849-C-T.
Other names: short protein forms R292H.
Identifiers: ClinVar variation 851162 (VCV000851162.9), dbSNP rs781774786, ClinGen allele CA5576683.

ClinVar aggregate classification (germline): Conflicting classifications of pathogenicity. Review status: criteria provided, conflicting classifications (1 of 4 stars). 4 submissions from 4 submitters: Likely pathogenic (2); Uncertain significance (2). Last evaluated 2026-04-21.

Conditions:
Hepatic methionine adenosyltransferase deficiency. Also called: Deficiency of methionine adenosyltransferase; Isolated Persistent Hypermethioninemia; Methionine adenosyltransferase deficiency; MAT I/III DEFICIENCY. Identifiers: Orphanet 168598, MedGen C0268621, MeSH C564683, MONDO:0009607, OMIM 250850.

Allele frequency attached by ClinVar (database versions not stated): gnomAD 0.00001; gnomAD exomes 0.00001; TOPMed 0.00001.
gnomAD v4.1: 12 of 1,597,486 alleles (0.00075%); highest among the groups gnomAD compares: South Asian, 0.0023%; no homozygotes.

Submissions (4):

Women's Health and Genetics/Laboratory Corporation of America, LabCorp
Classification: Likely pathogenic for Hepatic methionine adenosyltransferase deficiency. Last evaluated: 2026-04-21. Review status: criteria provided, single submitter. Criteria: LabCorp Variant Classification Summary - May 2015. Collection method: clinical testing. Allele origin: germline.
Comment: Variant summary: MAT1A c.875G>A (p.Arg292His) results in a non-conservative amino acid change in the encoded protein sequence. Algorithms developed to predict the effect of missense changes on protein structure and function all suggest that this variant is likely to be disruptive. The variant allele was found at a frequency of 9e-06 in 221822 control chromosomes (gnomAD). c.875G>A has been observed in at least one compound heterozygous individual affected with clinical features of methionine adenosyltransferase I/III deficiency (Ma_2024). Two different variants affecting the same codon have been classified as likely pathogenic by our lab (c.874C>T, p.Arg292Cys; c.875G>T, p.Arg292Leu), supporting the critical relevance of codon 292 to MAT1A protein function. To our knowledge, no experimental evidence demonstrating an impact on protein function has been reported. The following publication have been ascertained in the context of this evaluation (PMID: 39511588). ClinVar contains an entry for this variant (Variation ID: 851162). To our knowledge, this variant has not been reported in individuals with autosomal dominant Methionine adenosyltransferase deficiency. Based on the evidence outlined above, the variant was classified as likely pathogenic for autosomal recessive methionine adenosyltransferase deficiency.

Laboratory of Metabolic Disorders, Peking University First Hospital
Classification: Uncertain significance for Hepatic methionine adenosyltransferase deficiency. Last evaluated: 2022-08-07. Review status: criteria provided, single submitter. Criteria: ACMG Guidelines, 2015. Collection method: clinical testing. Allele origin: inherited. Affected: yes.

Labcorp Genetics (formerly Invitae), Labcorp
Classification: Uncertain significance for Hepatic methionine adenosyltransferase deficiency. Last evaluated: 2021-09-02. Review status: criteria provided, single submitter. Criteria: Invitae Variant Classification Sherloc (09022015). Collection method: clinical testing. Allele origin: germline.

Juno Genomics, Hangzhou Juno Genomics, Inc
Classification: Likely pathogenic for Hepatic methionine adenosyltransferase deficiency. Review status: criteria provided, single submitter. Criteria: ACMG Guidelines, 2015. Collection method: clinical testing. Allele origin: germline. Affected: yes.
Comment: Absent from controls (or at extremely low frequency if recessive) in Genome Aggregation Database, Exome Sequencing Project, 1000 Genomes Project, or Exome Aggregation Consortium.;Multiple lines of computational evidence support a deleterious effect on the gene or gene product (conservation, evolutionary, splicing impact, etc).;Patient's phenotype or family history is highly specific for a disease with a single genetic etiology.

Literature cited by the submitters: PubMed 39511588 (cited by Women's Health and Genetics/Laboratory Corporation of America, LabCorp).